The following is an entry in ClinVar:

ClinVar aggregate classification (germline): Pathogenic (1 of 4 stars; one submission).

Submission:

Labcorp Genetics (formerly Invitae), Labcorp
Classification: Pathogenic. Last evaluated: 2022-04-30. Review status: criteria provided, single submitter. Criteria: Invitae Variant Classification Sherloc (09022015). Collection method: clinical testing. Allele origin: germline.
Comment: This variant disrupts a region of the CTNNB1 protein in which other variant(s) (p.His720*) have been determined to be pathogenic (PMID: 26757139, 28575650). This suggests that this is a clinically significant region of the protein, and that variants that disrupt it are likely to be disease-causing. For these reasons, this variant has been classified as Pathogenic. This variant has not been reported in the literature in individuals affected with CTNNB1-related conditions. This variant is not present in population databases (gnomAD no frequency). This sequence change creates a premature translational stop signal (p.Ser715Ilefs*19) in the CTNNB1 gene. While this is not anticipated to result in nonsense mediated decay, it is expected to disrupt the last 67 amino acid(s) of the CTNNB1 protein.

Literature cited by the submitters: PubMed 26757139; PubMed 28575650.

NM_001904.4(CTNNB1):c.2144_2147del (p.Ser715fs)

Gene: CTNNB1 (catenin beta 1; plus strand). Cytogenetic location: 3p22.1.
Variant type: Deletion.
Coding change: c.2144_2147del on transcript NM_001904.4 (MANE Select); coding-DNA positions 2144 to 2147, 4 bases deleted (GCTA; older notation c.2144_2147delGCTA).
Protein change: p.Ser715fs; shifts the reading frame from serine 715.
Molecular consequence: frameshift variant.
Genome position (GRCh38, 1-based): chr3:41,239,140-41,239,143, GCTA deleted; deleting any 4 consecutive bases within chr3:41,239,137-41,239,143 gives the same sequence; the c. name uses the placement nearest the transcript's 3' end. VCF-style (leftmost placement, unchanged base first): chr3-41239136-CCTAG-C. GRCh37 (hg19) VCF-style: chr3-41280627-CCTAG-C.
Other names: c.2144_2147del, p.Ser715fs (NM_001098209.2, NM_001098210.2); c.2123_2126del, p.Ser708fs (NM_001330729.2); short protein forms S708fs, S715fs.
Identifiers: ClinVar variation 2132104 (VCV002132104.4), dbSNP rs2470864022, ClinGen allele CA2580069812.